The following is an entry in ClinVar:

ClinVar aggregate classification (germline): Pathogenic/Likely pathogenic. Review status: criteria provided, multiple submitters, no conflicts (2 of 4 stars). 12 submissions from 12 submitters: Pathogenic (10); Likely pathogenic (1). 1 of the submissions does not count toward it. Last evaluated 2026-03-22.

Conditions:
Alport syndrome. Also called: Hemorrhagic familial nephritis; Hemorrhagic hereditary nephritis; Congenital hereditary hematuria. Identifiers: Orphanet 63, MedGen C1567741, MONDO:0018965.
COL4A3-related disorder. Also called: COL4A3-Related Disorders; COL4A3-related condition.
Autosomal recessive Alport syndrome (ATS2). Also called: ALPORT SYNDROME 2, AUTOSOMAL RECESSIVE; COL4A4 Alport Syndrome and Thin Basement Membrane Nephropathy; COL4A3-Related Nephropathy; Alport syndrome type 2. Identifiers: Orphanet 63, Orphanet 88919, MedGen C4746745, MONDO:0008762, OMIM 203780.
Benign familial hematuria. Also called: thin basement membrane disease. Identifiers: MedGen C0241908, MONDO:0957317.
Autosomal dominant Alport syndrome (ATS3A). Also called: ALPORT SYNDROME 3A, AUTOSOMAL DOMINANT; Alport syndrome dominant type; Renal failure and sensorineural hearing loss. Identifiers: Orphanet 63, Orphanet 88918, MedGen C5882663, MONDO:0007086, OMIM 104200.
Focal segmental glomerulosclerosis (FSGS). Also called: Glomerulosclerosis, focal; Focal sclerosis with hyalinosis. Identifiers: MedGen C0017668, MONDO:0100313, HP:0000097. Disease mechanism: loss of function.

Allele frequency attached by ClinVar (database versions not stated): gnomAD exomes below 0.00001; gnomAD 0.00001.
gnomAD v4.1: 6 of 1,613,900 alleles (0.00037%); highest among the groups gnomAD compares: South Asian, 0.0011%; no homozygotes.

Submissions (12):

Molecular Lab, University of Sulaimaniyah
Classification: Pathogenic for Focal segmental glomerulosclerosis. Last evaluated: 2026-03-22. Review status: criteria provided, single submitter. Criteria: ACMG Guidelines, 2015. Collection method: clinical testing. Allele origin: germline. Inheritance: Autosomal unknown. Affected: yes. Observed: 1 variant allele, 1 homozygote.
Comment: This variant was classified using the ACMG/AMP 2015 framework (PMID:25741868). PVS1 was applied because COL4A3 c.2371C>T (p.Arg791Ter) is a predicted loss-of-function stop gain variant expected to introduce a premature termination codon. PM2 was considered because the variant is rare in population databases (<0.01%). As internal case-level support, the variant was observed in 1 affected individual(s) from a biopsy-proven focal segmental glomerulosclerosis cohort, including 1 homozygote(s). Overall, the submitted evidence supported a Pathogenic classification.

MVZ Medizinische Genetik Mainz
Classification: Pathogenic for Autosomal dominant Alport syndrome. Last evaluated: 2026-02-05. Review status: criteria provided, single submitter. Criteria: UK Practice Guidelines For Variant Classification V4 01 2020. Collection method: clinical testing. Allele origin: germline. Inheritance: Autosomal dominant inheritance. Affected: yes. Observed: 1 variant allele.
Comment: ACMG Criteria: PVS1,PM3_STR,PM2_SUP

Clinical Genetics Laboratory, Skane University Hospital Lund
Classification: Pathogenic for Alport syndrome. Last evaluated: 2025-11-05. Review status: criteria provided, single submitter. Criteria: ACMG Guidelines, 2015. Collection method: clinical testing. Allele origin: germline. Affected: yes.
Comment: ACMG criteria used: PVS1, PM2 and PM3_strong

Natera, Inc.
Classification: Pathogenic for Alport syndrome. Last evaluated: 2025-05-01. Review status: criteria provided, single submitter. Criteria: Natera Variant Classification Schema (03/2026). Collection method: clinical testing. Allele origin: germline.
Comment: The c.2371C>T variant in COL4A3 is a nonsense variant predicted to introduce a stop codon at amino acid 791. This variant is expected to result in nonsense mediated decay, truncation, or a dysfunctional protein product. This variant is rare in the general population with a frequency below the threshold expected for the associated phenotype(s). This variant has been observed in one or more individuals affected with the associated recessive disease, as either homozygous or compound heterozygous with a second variant (PMID: 25307543). Given the available evidence, this variant is classified as Pathogenic.

Labcorp Genetics (formerly Invitae), Labcorp
Classification: Pathogenic. Last evaluated: 2023-06-25. Review status: criteria provided, single submitter. Criteria: Invitae Variant Classification Sherloc (09022015). Collection method: clinical testing. Allele origin: germline.
Comment: For these reasons, this variant has been classified as Pathogenic. ClinVar contains an entry for this variant (Variation ID: 397514). This premature translational stop signal has been observed in individual(s) with clinical features of autosomal recessive Alport syndrome (PMID: 22887978, 25307543). This variant is present in population databases (no rsID available, gnomAD 0.007%). This sequence change creates a premature translational stop signal (p.Arg791*) in the COL4A3 gene. It is expected to result in an absent or disrupted protein product. Loss-of-function variants in COL4A3 are known to be pathogenic (PMID: 8956999, 24854265, 26809805, 27281700).

Fulgent Genetics
Classification: Pathogenic for Autosomal dominant Alport syndrome; Hematuria, benign familial, 1; Autosomal recessive Alport syndrome. Last evaluated: 2022-02-25. Review status: criteria provided, single submitter. Criteria: ACMG Guidelines, 2015. Collection method: clinical testing. Allele origin: unknown.

CeGaT Center for Human Genetics Tuebingen
Classification: Pathogenic. Last evaluated: 2021-09-01. Review status: criteria provided, single submitter. Criteria: CeGaT Center For Human Genetics Tuebingen Variant Classification Criteria Version 2. Collection method: clinical testing. Allele origin: germline. Affected: yes. Observed: 2 variant alleles.

Women's Health and Genetics/Laboratory Corporation of America, LabCorp
Classification: Pathogenic for Autosomal recessive Alport syndrome. Last evaluated: 2021-02-19. Review status: criteria provided, single submitter. Criteria: LabCorp Variant Classification Summary - May 2015. Collection method: clinical testing. Allele origin: germline.
Comment: Variant summary: COL4A3 c.2371C>T (p.Arg791X) results in a premature termination codon, predicted to cause a truncation of the encoded protein or absence of the protein due to nonsense mediated decay, which are commonly known mechanisms for disease. Truncations downstream of this position have been classified as pathogenic by our laboratory. The variant was absent in 249528 control chromosomes. c.2371C>T has been reported in the literature in individuals affected with Alport Syndrome, Autosomal Recessive (e.g. Zhang_2012, Nabais Sa'_2015). These data indicate that the variant may be associated with disease. To our knowledge, no experimental evidence demonstrating an impact on protein function has been reported. Five other clinical diagnostic laboratories have submitted clinical-significance assessments for this variant to ClinVar after 2014 without evidence for independent evaluation. All laboratories cited the variant as pathogenic/likely pathogenic. Based on the evidence outlined above, the variant was classified as pathogenic.

Blueprint Genetics
Classification: Pathogenic for COL4A3-related disorders. Last evaluated: 2020-12-14. Review status: criteria provided, single submitter. Criteria: ACMG Guidelines, 2015. Collection method: clinical testing. Allele origin: germline. Affected: yes. Observed: 1 variant allele.

Molecular Biology Laboratory, Fundació Puigvert
Classification: Pathogenic for Autosomal recessive Alport syndrome. Last evaluated: 2020-02-01. Review status: criteria provided, single submitter. Criteria: ACMG Guidelines, 2015. Collection method: research. Allele origin: inherited. Affected: yes. Study: KidneyPanel_2020.

Center of Genomic medicine, Geneva, University Hospital of Geneva
Classification: Likely pathogenic for Autosomal recessive Alport syndrome. Last evaluated: 2016-07-11. Review status: criteria provided, single submitter. Criteria: ACMG Guidelines, 2015. Collection method: clinical testing. Allele origin: germline. Affected: yes.

Counsyl
Classification: Pathogenic for Autosomal recessive Alport syndrome. Last evaluated: 2018-02-13. Review status: no assertion criteria provided. Collection method: clinical testing. Allele origin: unknown. Not counted in ClinVar's aggregate classification.

Literature cited by the submitters: PubMed 25307543 (cited by 4 submitters); PubMed 22887978 (cited by 3 submitters); PubMed 8956999 (cited by Labcorp Genetics (formerly Invitae), Labcorp); PubMed 24854265 (cited by Labcorp Genetics (formerly Invitae), Labcorp); PubMed 26809805 (cited by Labcorp Genetics (formerly Invitae), Labcorp); PubMed 27281700 (cited by Labcorp Genetics (formerly Invitae), Labcorp); PubMed 33532864 (cited by Molecular Biology Laboratory, Fundació Puigvert).

NM_000091.5(COL4A3):c.2371C>T (p.Arg791Ter)

Genes: COL4A3 (collagen type IV alpha 3 chain; plus strand), MFF-DT (MFF divergent transcript; minus strand). Cytogenetic location: 2q36.3.
Variant type: single nucleotide variant.
Coding change: c.2371C>T on transcript NM_000091.5 (MANE Select); coding-DNA position 2371, C replaced by T.
Protein change: p.Arg791Ter; replaces arginine 791 with a stop codon.
Molecular consequence: nonsense.
Genome position (GRCh38, 1-based): chr2:227,280,587, C>T. VCF-style: chr2-227280587-C-T. GRCh37 (hg19) VCF-style: chr2-228145303-C-T.
Other names: short protein forms R791*.
Identifiers: ClinVar variation 397514 (VCV000397514.56), dbSNP rs1060499654, ClinGen allele CA16609389.
Genomic context (GRCh38, chr2:227,280,587, plus strand): 5'-GGACTCCCTGGACTTCCAGGTCTCCCTGGAACTCCAGGAAATGAAGGGCTTGATGGACCA[C>T]GAGGTACAATAGCAAGTGTCATTACTTTTCTCCACTGTGAGCTCTGCTAAAATGCAGCAA-3'